The following is an entry in ClinVar:

ClinVar aggregate classification (germline): Likely benign. Review status: criteria provided, multiple submitters, no conflicts (2 of 4 stars). 5 submissions from 5 submitters: Likely benign (4). 1 of the submissions does not count toward it. Last evaluated 2026-02-01.

Conditions:
EGFR-related lung cancer (EGFR). Identifiers: MedGen CN130014.
EGFR-related disorder. Also called: EGFR-related condition.
Hereditary cancer-predisposing syndrome. Also called: Neoplastic Syndromes, Hereditary; Hereditary Cancer Syndrome; Tumor predisposition; Hereditary neoplastic syndrome. Identifiers: Orphanet 140162, MedGen C0027672, MeSH D009386, MONDO:0015356.

Allele frequency attached by ClinVar (database versions not stated): gnomAD exomes 0.00017 and 0.00052; ExAC 0.00018; TOPMed 0.00027; gnomAD 0.00029; ESP Exome Variant Server 0.00085.
gnomAD v4.1: 845 of 1,614,074 alleles (0.052%); highest among the groups gnomAD compares: Non-Finnish European, 0.065%; 2 homozygotes.

Submissions (5):

Labcorp Genetics (formerly Invitae), Labcorp
Classification: Likely benign for EGFR-related lung cancer. Last evaluated: 2026-02-01. Review status: criteria provided, single submitter. Criteria: Invitae Variant Classification Sherloc (09022015). Collection method: clinical testing. Allele origin: germline.

Ambry Genetics
Classification: Likely benign for Hereditary cancer-predisposing syndrome. Last evaluated: 2024-08-21. Review status: criteria provided, single submitter. Criteria: Ambry Variant Classification Scheme 2023. Collection method: clinical testing. Allele origin: germline.

Sema4
Classification: Likely benign for Hereditary cancer-predisposing syndrome. Last evaluated: 2021-06-23. Review status: criteria provided, single submitter. Criteria: Sema4 Curation Guidelines. Collection method: curation. Allele origin: germline.

Breakthrough Genomics
Classification: Likely benign. Review status: criteria provided, single submitter. Criteria: ACMG Guidelines, 2015. Collection method: not provided. Allele origin: germline. Inheritance: Autosomal recessive inheritance. Affected: yes.

PreventionGenetics, part of Exact Sciences
Classification: Likely benign for EGFR-related condition. Last evaluated: 2022-06-21. Review status: no assertion criteria provided. Collection method: clinical testing. Allele origin: germline. Not counted in ClinVar's aggregate classification.
Comment: This variant is classified as likely benign based on ACMG/AMP sequence variant interpretation guidelines (Richards et al. 2015 PMID: 25741868, with internal and published modifications).

NM_005228.5(EGFR):c.354C>T (p.Ala118=)

Gene: EGFR (epidermal growth factor receptor; plus strand). Cytogenetic location: 7p11.2.
Variant type: single nucleotide variant.
Coding change: c.354C>T on transcript NM_005228.5 (MANE Select); coding-DNA position 354, C replaced by T.
Protein change: p.Ala118=; no amino-acid change (alanine 118 retained).
Molecular consequence: synonymous variant. On other transcripts: intron variant (1).
Genome position (GRCh38, 1-based): chr7:55,143,418, C>T. VCF-style: chr7-55143418-C-T. GRCh37 (hg19) VCF-style: chr7-55211111-C-T.
Other names: c.354C>T, p.Ala118= (NM_001346897.2, NM_001346898.2, NM_001346899.2 and 3 more transcripts); c.195C>T, p.Ala65= (NM_001346900.2); c.89-12412C>T (NM_001346941.2); c.354C>T (NM_005228.4).
Identifiers: ClinVar variation 695370 (VCV000695370.16), dbSNP rs147726446, ClinGen allele CA4265185.